The following is an entry in ClinVar:

ClinVar aggregate classification (germline): Uncertain significance (1 of 4 stars; one submission).

Submission:

Labcorp Genetics (formerly Invitae), Labcorp
Classification: Uncertain significance. Last evaluated: 2022-10-07. Review status: criteria provided, single submitter. Criteria: Invitae Variant Classification Sherloc (09022015). Collection method: clinical testing. Allele origin: germline.
Comment: This sequence change replaces serine, which is neutral and polar, with cysteine, which is neutral and slightly polar, at codon 34 of the COL4A1 protein (p.Ser34Cys). This variant is not present in population databases (gnomAD no frequency). This variant has not been reported in the literature in individuals affected with COL4A1-related conditions. Advanced modeling of protein sequence and biophysical properties (such as structural, functional, and spatial information, amino acid conservation, physicochemical variation, residue mobility, and thermodynamic stability) performed at Invitae indicates that this missense variant is not expected to disrupt COL4A1 protein function. In summary, the available evidence is currently insufficient to determine the role of this variant in disease. Therefore, it has been classified as a Variant of Uncertain Significance.

NM_001845.6(COL4A1):c.101C>G (p.Ser34Cys)

Gene: COL4A1 (collagen type IV alpha 1 chain; minus strand). Cytogenetic location: 13q34.
Variant type: single nucleotide variant.
Coding change: c.101C>G on transcript NM_001845.6 (MANE Select); coding-DNA position 101, C replaced by G.
Protein change: p.Ser34Cys; replaces serine 34 with cysteine.
Molecular consequence: missense variant.
Genome position (GRCh38, 1-based): chr13:110,242,718, G>C on the plus strand (C>G on the coding strand, the complement: COL4A1 is on the minus strand). VCF-style: chr13-110242718-G-C. GRCh37 (hg19) VCF-style: chr13-110895065-G-C.
Other names: c.101C>G, p.Ser34Cys (NM_001303110.2); short protein forms S34C.
Identifiers: ClinVar variation 1719212 (VCV001719212.5), dbSNP rs1881620817, ClinGen allele CA388731541.